The following is an entry in ClinVar:

ClinVar aggregate classification (germline): Uncertain significance (1 of 4 stars; one submission).

Conditions:
Deficiency of ferroxidase (ACEP). Also called: Deficiency of ceruloplasmin; Aceruloplasminemia; NEURODEGENERATION WITH BRAIN IRON ACCUMULATION 10; Ceruloplasmin deficiency; Familial apoceruloplasmin deficiency; Hereditary ceruloplasmin deficiency. Identifiers: Orphanet 48818, MedGen C0878682, MONDO:0011426, OMIM 604290, HP:0025498.

Allele frequency attached by ClinVar (database versions not stated): gnomAD exomes below 0.00001.
gnomAD v4.1: 3 of 1,613,670 alleles (0.00019%); highest among the groups gnomAD compares: South Asian, 0.0022%; no homozygotes.

Submission:

Labcorp Genetics (formerly Invitae), Labcorp
Classification: Uncertain significance for Deficiency of ferroxidase. Last evaluated: 2022-04-29. Review status: criteria provided, single submitter. Criteria: Invitae Variant Classification Sherloc (09022015). Collection method: clinical testing. Allele origin: germline.
Comment: This variant is not present in population databases (gnomAD no frequency). This sequence change replaces proline, which is neutral and non-polar, with serine, which is neutral and polar, at codon 401 of the CP protein (p.Pro401Ser). This variant has not been reported in the literature in individuals affected with CP-related conditions. In summary, the available evidence is currently insufficient to determine the role of this variant in disease. Therefore, it has been classified as a Variant of Uncertain Significance. Algorithms developed to predict the effect of missense changes on protein structure and function (SIFT, PolyPhen-2, Align-GVGD) all suggest that this variant is likely to be tolerated.

NM_000096.4(CP):c.1201C>T (p.Pro401Ser)

Gene: CP (ceruloplasmin; minus strand). Cytogenetic location: 3q25.1.
Variant type: single nucleotide variant.
Coding change: c.1201C>T on transcript NM_000096.4 (MANE Select); coding-DNA position 1201, C replaced by T.
Protein change: p.Pro401Ser; replaces proline 401 with serine.
Molecular consequence: missense variant. On other transcripts: non-coding transcript variant (1).
Genome position (GRCh38, 1-based): chr3:149,206,175, G>A on the plus strand (C>T on the coding strand, the complement: CP is on the minus strand). VCF-style: chr3-149206175-G-A. GRCh37 (hg19) VCF-style: chr3-148923962-G-A.
Other names: short protein forms P401S.
Identifiers: ClinVar variation 2131262 (VCV002131262.4), dbSNP rs2472839666, ClinGen allele CA354912641.